The following is an entry in ClinVar:

ClinVar aggregate classification (germline): Uncertain significance. Review status: criteria provided, single submitter (1 of 4 stars). 3 submissions from 3 submitters: Uncertain significance (1). 2 of the submissions do not count toward it. Last evaluated 2017-07-03.

Conditions:
PSAT deficiency. Identifiers: Orphanet 284417, MedGen C1970253, MONDO:0012596, OMIM 610992.

Allele frequency attached by ClinVar (database versions not stated): gnomAD exomes below 0.00001.
gnomAD v4.1: 1 of 1,601,512 alleles (0.000062%); highest among the groups gnomAD compares: Non-Finnish European, 0.000085%; no homozygotes.

Submissions (3):

GeneDx
Classification: Uncertain significance. Last evaluated: 2017-07-03. Review status: criteria provided, single submitter. Criteria: GeneDx Variant Classification (06012015). Collection method: clinical testing. Allele origin: germline. Affected: yes.
Comment: The A15V variant in the PSAT1 gene has not been reported previously as a pathogenic variant, nor as a benign variant, to our knowledge. This variant is not observed in large population cohorts (Lek et al., 2016; 1000 Genomes Consortium et al., 2015; Exome Variant Server). The A15V variant is a conservative amino acid substitution, which is not likely to impact secondary protein structure as these residues share similar properties. However, this substitution occurs at a position that is conserved across species, and in silico analysis predicts this variant is probably damaging to the protein structure/function. We interpret A15V as a variant of uncertain significance.

OMIM
Classification: Pathogenic for PHOSPHOSERINE AMINOTRANSFERASE DEFICIENCY. Last evaluated: 2020-05-27. Review status: no assertion criteria provided. Collection method: literature only. Allele origin: germline. Not counted in ClinVar's aggregate classification.

Dudley Research Group, Pacific Northwest Research Institute
No classification provided. Review status: no classification provided. Collection method: research, in vivo. Allele origin: unknown, not applicable. Functional consequence: function_uncertain_variant. Not counted in ClinVar's aggregate classification.

Literature cited by the submitters: PubMed 29269105 (cited by OMIM).

NM_058179.4(PSAT1):c.44C>T (p.Ala15Val)

Gene: PSAT1 (phosphoserine aminotransferase 1; plus strand). Cytogenetic location: 9q21.2.
Variant type: single nucleotide variant.
Coding change: c.44C>T on transcript NM_058179.4 (MANE Select); coding-DNA position 44, C replaced by T.
Protein change: p.Ala15Val; replaces alanine 15 with valine.
Molecular consequence: missense variant.
Genome position (GRCh38, 1-based): chr9:78,297,254, C>T. VCF-style: chr9-78297254-C-T. GRCh37 (hg19) VCF-style: chr9-80912170-C-T.
Other names: c.44C>T, p.Ala15Val (NM_021154.5); short protein forms A15V.
Identifiers: ClinVar variation 450380 (VCV000450380.6), dbSNP rs1554685353, ClinGen allele CA373871234.